The following is an entry in ClinVar:

NM_016239.4(MYO15A):c.8855C>T (p.Ala2952Val)

Gene: MYO15A (myosin XVA; plus strand). Cytogenetic location: 17p11.2.
Variant type: single nucleotide variant.
Coding change: c.8855C>T on transcript NM_016239.4 (MANE Select); coding-DNA position 8855, C replaced by T.
Protein change: p.Ala2952Val; replaces alanine 2952 with valine.
Molecular consequence: missense variant.
Genome position (GRCh38, 1-based): chr17:18,157,788, C>T. VCF-style: chr17-18157788-C-T. GRCh37 (hg19) VCF-style: chr17-18061102-C-T.
Other names: short protein forms A2952V.
Identifiers: ClinVar variation 1804541 (VCV001804541.1), dbSNP rs1476151296, ClinGen allele CA398630357.

ClinVar aggregate classification (germline): Uncertain significance (1 of 4 stars; one submission).

Allele frequency attached by ClinVar (database versions not stated): gnomAD 0.00001; TOPMed 0.00002.

Submission:

GeneDx
Classification: Uncertain significance. Last evaluated: 2022-06-13. Review status: criteria provided, single submitter. Criteria: GeneDx Variant Classification Process June 2021. Collection method: clinical testing. Allele origin: germline. Affected: yes.
Comment: Not observed at significant frequency in large population cohorts (gnomAD); In silico analysis supports that this missense variant does not alter protein structure/function; Has not been previously published as pathogenic or benign to our knowledge